The following is an entry in ClinVar:

ClinVar aggregate classification (germline): Uncertain significance (1 of 4 stars; one submission).

Submission:

Labcorp Genetics (formerly Invitae), Labcorp
Classification: Uncertain significance. Last evaluated: 2019-03-07. Review status: criteria provided, single submitter. Criteria: Invitae Variant Classification Sherloc (09022015). Collection method: clinical testing. Allele origin: germline.
Comment: This sequence change results in a premature translational stop signal in the RETREG1 gene (p.Glu456Aspfs*76). While this is not anticipated to result in nonsense mediated decay, it is expected to disrupt the last 42 amino acids of the RETREG1 protein. This variant is not present in population databases (ExAC no frequency). This variant has not been reported in the literature in individuals with RETREG1-related conditions. In summary, the available evidence is currently insufficient to determine the role of this variant in disease. Therefore, it has been classified as a Variant of Uncertain Significance.

NM_001034850.3(RETREG1):c.1368_1373delinsCC (p.Glu456fs)

Gene: RETREG1 (reticulophagy regulator 1; minus strand). Cytogenetic location: 5p15.1.
Variant type: Indel.
Coding change: c.1368_1373delinsCC on transcript NM_001034850.3 (MANE Select); coding-DNA positions 1368 to 1373, ACTACT replaced by CC.
Protein change: p.Glu456fs; shifts the reading frame from glutamic acid 456.
Molecular consequence: frameshift variant.
Genome position (GRCh38, 1-based): chr5:16,474,862-16,474,867, AGTAGT replaced by GG on the plus strand (ACTACT replaced by CC on the coding strand, the reverse complement: RETREG1 is on the minus strand). VCF-style: chr5-16474862-AGTAGT-GG. GRCh37 (hg19) VCF-style: chr5-16474971-AGTAGT-GG.
Other names: c.945_950delinsCC, p.Glu315fs (NM_019000.5); short protein forms E315fs, E456fs.
Identifiers: ClinVar variation 972382 (VCV000972382.7), dbSNP rs1738456492, ClinGen allele CA1139658760.
Genomic context (GRCh38, chr5:16,474,862, plus strand): 5'-GCTTCCTGGTCTTGTGTAAGTCCCAATTCACTCTCAATTTGATCCAGCTCTGACTGGTCA[AGTAGT>GG]TCAAAGTCATCACCTTCTTCAGTGTCTGTGTCCTCTTCTGGGATGGGGGCAGCCTGAGAA-3'